The following is an entry in ClinVar:

NM_001368882.1(COL13A1):c.1486-9C>G

Gene: COL13A1 (collagen type XIII alpha 1 chain; plus strand). Cytogenetic location: 10q22.1.
Variant type: single nucleotide variant.
Coding change: c.1486-9C>G on transcript NM_001368882.1 (MANE Select); 9 bases into the intron before coding-DNA position 1486, C replaced by G.
Molecular consequence: intron variant.
Genome position (GRCh38, 1-based): chr10:69,930,034, C>G. VCF-style: chr10-69930034-C-G. GRCh37 (hg19) VCF-style: chr10-71689790-C-G.
Other names: c.1423-9C>G (NM_001320951.2, NM_001368884.1); c.1453-9C>G (NM_001130103.2); c.1387-9C>G (NM_080801.4, NM_080802.4, NM_001368885.1); c.1396-9C>G (NM_080800.4, NM_001368895.1); c.823-9C>G (NM_001368886.1); c.1450-9C>G (NM_001368883.1); c.1300-9C>G (NM_080805.4); c.1309-9C>G (NM_001368897.1); and 1 more.
Identifiers: ClinVar variation 1371833 (VCV001371833.3), dbSNP rs373727309, ClinGen allele CA912970370.
Genomic context (GRCh38, chr10:69,930,034, plus strand): 5'-AAGCAATGCGTAACTGATGGCTGCTATGTTCTCTGCCCTGAGAGTCACCTTTAGTTGTTC[C>G]GGTTACAGGGGGAGATTGGACTGCCAGGCCCTCCAGGACACGATGGGGAAAAGGTATGAA-3'

ClinVar aggregate classification (germline): Uncertain significance (1 of 4 stars; one submission).

gnomAD v4.1: 3 of 1,613,650 alleles (0.00019%); highest among the groups gnomAD compares: Non-Finnish European, 0.00025%; no homozygotes.

Submission:

Labcorp Genetics (formerly Invitae), Labcorp
Classification: Uncertain significance. Last evaluated: 2021-11-02. Review status: criteria provided, single submitter. Criteria: Invitae Variant Classification Sherloc (09022015). Collection method: clinical testing. Allele origin: germline.
Comment: This sequence change falls in intron 27 of the COL13A1 gene. It does not directly change the encoded amino acid sequence of the COL13A1 protein. This variant is not present in population databases (gnomAD no frequency). This variant has not been reported in the literature in individuals affected with COL13A1-related conditions. Algorithms developed to predict the effect of sequence changes on RNA splicing suggest that this variant may disrupt the consensus splice site. In summary, the available evidence is currently insufficient to determine the role of this variant in disease. Therefore, it has been classified as a Variant of Uncertain Significance.